The following is an entry in ClinVar:

ClinVar aggregate classification (germline): Pathogenic (1 of 4 stars; one submission).

Conditions:
Carnitine palmitoyl transferase 1A deficiency. Also called: CPT deficiency, hepatic, type IA; Carnitine palmitoyltransferase type I deficiency; CPT I DEFICIENCY; CPT DEFICIENCY, HEPATIC, TYPE I; Carnitine palmitoyltransferase 1A deficiency. Identifiers: Orphanet 156, MedGen C1829703, MONDO:0009705, OMIM 255120.

Submission:

Myriad Genetics, Inc.
Classification: Pathogenic for Carnitine palmitoyl transferase 1A deficiency. Last evaluated: 2025-01-18. Review status: criteria provided, single submitter. Criteria: Myriad Autosomal Dominant, Autosomal Recessive and X-Linked Classification Criteria (2023). Collection method: clinical testing. Allele origin: unknown.
Comment: NM_001876.3(CPT1A):c.986_989dupGAGA(D330Efs*22) is expected to be pathogenic in the context of carnitine palmitoyltransferase IA deficiency. This variant is predicted to lead to an abnormal or absent protein product due to the creation of a premature termination codon in CPT1A, a gene where loss-of-function variants are known to be pathogenic. Please note: this variant was assessed in the context of healthy population screening.

NM_001876.4(CPT1A):c.986_989dup (p.Asp330fs)

Gene: CPT1A (carnitine palmitoyltransferase 1A; minus strand). Cytogenetic location: 11q13.3.
Variant type: Microsatellite.
Coding change: c.986_989dup on transcript NM_001876.4 (MANE Select); coding-DNA positions 986 to 989, 4 bases duplicated (GAGA; older notation c.986_989dupGAGA).
Protein change: p.Asp330fs; shifts the reading frame from aspartic acid 330.
Molecular consequence: frameshift variant.
Genome position (GRCh38, 1-based): chr11:68,784,989-68,784,992, TCTC duplicated on the plus strand (GAGA on the coding strand, the reverse complement: CPT1A is on the minus strand); duplicating any 4 consecutive bases within chr11:68,784,989-68,784,994 gives the same sequence; the c. name uses the placement nearest the transcript's 3' end. VCF-style (leftmost placement, unchanged base first): chr11-68784988-G-GTCTC. GRCh37 (hg19) VCF-style: chr11-68552456-G-GTCTC.
Other names: c.986_989dup, p.Asp330fs (NM_001031847.3, NM_001440358.1, NM_001440359.1 and 3 more transcripts); c.878_881dup, p.Asp294fs (NM_001440363.1); c.800_803dup, p.Asp268fs (NM_001440365.1); short protein forms D268fs, D294fs, D330fs.
Identifiers: ClinVar variation 5013982 (VCV005013982.1).
Genomic context (GRCh38, chr11:68,784,988, plus strand): 5'-ATCATGGTAGAGCCAGACCTTGAAGTAGCGTCCTCGATGGTACACGACGATGTGCTTGCT[G>GTCTC]TCTCTCATGTGCTGGATGGTGTCTGAGCCGGCCGCAGGTTGGAGACACAAAACCAAGAGT-3'